The following is an entry in ClinVar:

ClinVar aggregate classification (germline): Uncertain significance. Review status: criteria provided, multiple submitters, no conflicts (2 of 4 stars). 4 submissions from 4 submitters: Uncertain significance (4). Last evaluated 2025-09-25.

Conditions:
TDP1-related disorder. Also called: TDP1-related condition.
Spinocerebellar ataxia, autosomal recessive, with axonal neuropathy 1 (SCAN1). Identifiers: Orphanet 94124, MedGen C4759870, MONDO:0011801, OMIM 607250.

Allele frequency attached by ClinVar (database versions not stated): ExAC 0.00023; gnomAD exomes 0.00029 and 0.00057; TOPMed 0.00029; ESP Exome Variant Server 0.00031; gnomAD 0.00032 and 0.00033.
gnomAD v4.1: 862 of 1,611,044 alleles (0.054%); highest among the groups gnomAD compares: Non-Finnish European, 0.07%; 1 homozygote.

Submissions (4):

Mayo Clinic Laboratories, Mayo Clinic
Classification: Uncertain significance. Last evaluated: 2025-09-25. Review status: criteria provided, single submitter. Criteria: ACMG Guidelines, 2015. Collection method: clinical testing. Allele origin: germline. Observed: 2 variant alleles.

PreventionGenetics, part of Exact Sciences
Classification: Uncertain significance for TDP1-related condition. Last evaluated: 2025-09-07. Review status: criteria provided, single submitter. Criteria: ACMG Guidelines, 2015. Collection method: clinical testing. Allele origin: germline.
Comment: The TDP1 c.1343G>A variant is predicted to result in the amino acid substitution p.Arg448Gln. To our knowledge, this variant has not been reported in the literature. This variant is reported in 0.057% of alleles in individuals of European (Non-Finnish) descent in gnomAD. Although we suspect that this variant may be benign, the clinical significance of this variant is classified as uncertain at this time due to insufficient functional and genetic evidence.

Athena Diagnostics
Classification: Uncertain significance. Last evaluated: 2024-11-20. Review status: criteria provided, single submitter. Criteria: Athena Diagnostics Criteria. Collection method: clinical testing. Allele origin: unknown.
Comment: Available data are insufficient to determine the clinical significance of the variant at this time. The frequency of this variant in the general population is higher than would generally be expected for pathogenic variants in this gene. Polyphen and MutationTaster yielded discordant predictions regarding whether this amino acid change is damaging to the protein.

Illumina Laboratory Services, Illumina
Classification: Uncertain significance for Spinocerebellar ataxia, autosomal recessive, with axonal neuropathy 1. Last evaluated: 2018-01-12. Review status: criteria provided, single submitter. Criteria: ICSL Variant Classification Criteria 13 December 2019. Collection method: clinical testing. Allele origin: germline.

Literature cited by the submitters: PubMed 26392352 (cited by Mayo Clinic Laboratories, Mayo Clinic and Athena Diagnostics); PubMed 39848142 (cited by Mayo Clinic Laboratories, Mayo Clinic); PubMed 32371905 (cited by Athena Diagnostics); PubMed 29641532 (cited by Athena Diagnostics); PubMed 31130284 (cited by Athena Diagnostics).

NM_018319.4(TDP1):c.1343G>A (p.Arg448Gln)

Gene: TDP1 (tyrosyl-DNA phosphodiesterase 1; plus strand). Cytogenetic location: 14q32.11.
Variant type: single nucleotide variant.
Coding change: c.1343G>A on transcript NM_018319.4 (MANE Select); coding-DNA position 1343, G replaced by A.
Protein change: p.Arg448Gln; replaces arginine 448 with glutamine.
Molecular consequence: missense variant.
Genome position (GRCh38, 1-based): chr14:89,989,742, G>A. VCF-style: chr14-89989742-G-A. GRCh37 (hg19) VCF-style: chr14-90456086-G-A.
Other names: p.Arg448Gln; c.1343G>A, p.Arg448Gln (NM_001008744.2, NM_001330205.2); short protein forms R448Q.
Identifiers: ClinVar variation 314837 (VCV000314837.10), dbSNP rs144746398, ClinGen allele CA7303921.
Genomic context (GRCh38, chr14:89,989,742, plus strand): 5'-CATTCCGAGTTTTATTGTTTTCCTCTTATTTTTAGATCTATCCTTCTGTGGAAAATGTGC[G>A]GACCAGTTTAGAAGGATATCCTGGTAATTCTTGGGGAGACTGTCTTGATTGTGTTTTATG-3'
Protein context (NP_060789.2, residues 438-458): YLIYPSVENV[Arg448Gln]TSLEGYPAGG